The following is an entry in ClinVar:

ClinVar aggregate classification (germline): Conflicting classifications of pathogenicity. Review status: criteria provided, conflicting classifications (1 of 4 stars). 7 submissions from 7 submitters: Uncertain significance (2); Benign (1); Likely benign (4). Last evaluated 2026-01-18.

Conditions:
Familial thoracic aortic aneurysm and aortic dissection (TAAD). Also called: Thoracic aortic aneurysms and dissections. Identifiers: Orphanet 91387, MedGen C4707243, MONDO:0019625.
Aortic aneurysm, familial thoracic 4 (AAT4). Also called: AORTIC ANEURYSM/AORTIC DISSECTION AND PATENT DUCTUS ARTERIOSUS. Identifiers: MedGen C1851504, MONDO:0007568, OMIM 132900.

Allele frequency attached by ClinVar (database versions not stated): gnomAD exomes 0.00006 and 0.00019; TOPMed 0.00011; gnomAD 0.00007; ESP Exome Variant Server 0.00008; ExAC 0.00012.
gnomAD v4.1: 114 of 1,613,904 alleles (0.0071%); highest among the groups gnomAD compares: Admixed American, 0.027%; no homozygotes.

Submissions (7):

Labcorp Genetics (formerly Invitae), Labcorp
Classification: Likely benign for Aortic aneurysm, familial thoracic 4. Last evaluated: 2026-01-18. Review status: criteria provided, single submitter. Criteria: Invitae Variant Classification Sherloc (09022015). Collection method: clinical testing. Allele origin: germline.

Women's Health and Genetics/Laboratory Corporation of America, LabCorp
Classification: Likely benign. Last evaluated: 2025-07-21. Review status: criteria provided, single submitter. Criteria: LabCorp Variant Classification Summary - May 2015. Collection method: clinical testing. Allele origin: germline.
Comment: Variant summary: MYH11 c.4702G>A (p.Ala1568Thr) results in a non-conservative amino acid change located in the Myosin tail domain (IPR002928) of the encoded protein sequence. Algorithms developed to predict the effect of missense changes on protein structure and function all suggest that this variant is likely to be disruptive. The variant allele was found at a frequency of 0.00019 in 251470 control chromosomes. The observed variant frequency is approximately 15 fold of the estimated maximal expected allele frequency for a pathogenic variant in MYH11 causing Thoracic Aortic Aneurysms And Dissections phenotype (1.3e-05). To our knowledge, no occurrence of c.4702G>A in individuals affected with Thoracic Aortic Aneurysms And Dissections and no experimental evidence demonstrating its impact on protein function have been reported. ClinVar contains an entry for this variant (Variation ID: 263877). Based on the evidence outlined above, the variant was classified as likely benign.

GeneDx
Classification: Uncertain significance. Last evaluated: 2025-05-05. Review status: criteria provided, single submitter. Criteria: GeneDx Variant Classification Process June 2021. Collection method: clinical testing. Allele origin: germline. Affected: yes.
Comment: In silico analysis supports that this missense variant has a deleterious effect on protein structure/function; Has not been previously published as pathogenic or benign to our knowledge

CHEO Genetics Diagnostic Laboratory, Children's Hospital of Eastern Ontario
Classification: Benign for Familial thoracic aortic aneurysm and aortic dissection. Last evaluated: 2021-10-25. Review status: criteria provided, single submitter. Criteria: ACMG Guidelines, 2015. Collection method: clinical testing. Allele origin: germline.

Ambry Genetics
Classification: Likely benign for Familial thoracic aortic aneurysm and aortic dissection. Last evaluated: 2020-03-16. Review status: criteria provided, single submitter. Criteria: Ambry Variant Classification Scheme 2023. Collection method: clinical testing. Allele origin: germline.

Color Diagnostics, LLC DBA Color Health
Classification: Likely benign for Familial thoracic aortic aneurysm and aortic dissection. Last evaluated: 2018-05-11. Review status: criteria provided, single submitter. Criteria: ACMG Guidelines, 2015. Collection method: clinical testing. Allele origin: germline.

Illumina Laboratory Services, Illumina
Classification: Uncertain significance for Aortic aneurysm, familial thoracic 4. Last evaluated: 2018-01-13. Review status: criteria provided, single submitter. Criteria: ICSL Variant Classification Criteria 13 December 2019. Collection method: clinical testing. Allele origin: germline.

NM_002474.3(MYH11):c.4681G>A (p.Ala1561Thr)

Genes: MYH11 (myosin heavy chain 11; minus strand), NDE1 (nudE neurodevelopment protein 1; plus strand). Cytogenetic location: 16p13.11.
Variant type: single nucleotide variant.
Coding change: c.4681G>A on transcript NM_002474.3 (MANE Select); coding-DNA position 4681, G replaced by A.
Protein change: p.Ala1561Thr; replaces alanine 1561 with threonine.
Molecular consequence: missense variant. On other transcripts: intron variant (2).
Genome position (GRCh38, 1-based): chr16:15,720,949, C>T on the plus strand (G>A on the coding strand, the complement: MYH11 is on the minus strand). VCF-style: chr16-15720949-C-T. GRCh37 (hg19) VCF-style: chr16-15814806-C-T.
Other names: c.4702G>A, p.Ala1568Thr (NM_001040113.2, NM_001040114.2); c.4681G>A, p.Ala1561Thr (NM_022844.3); c.948-3242C>T (NM_001143979.2, NM_017668.3); short protein forms A1561T, A1568T.
Identifiers: ClinVar variation 263877 (VCV000263877.65), dbSNP rs138863103, ClinGen allele CA7921585.